The following is an entry in ClinVar:

NM_152703.5(SAMD9L):c.4289C>T (p.Ala1430Val)

Gene: SAMD9L (sterile alpha motif domain containing 9 like; minus strand). Cytogenetic location: 7q21.2.
Variant type: single nucleotide variant.
Coding change: c.4289C>T on transcript NM_152703.5 (MANE Select); coding-DNA position 4289, C replaced by T.
Protein change: p.Ala1430Val; replaces alanine 1430 with valine.
Molecular consequence: missense variant.
Genome position (GRCh38, 1-based): chr7:93,131,683, G>A on the plus strand (C>T on the coding strand, the complement: SAMD9L is on the minus strand). VCF-style: chr7-93131683-G-A. GRCh37 (hg19) VCF-style: chr7-92760996-G-A.
Other names: c.4289C>T, p.Ala1430Val (NM_001303496.3, NM_001303497.3, NM_001303498.3 and 5 more transcripts); short protein forms A1430V.
Identifiers: ClinVar variation 3949818 (VCV003949818.1).

ClinVar aggregate classification (germline): Uncertain significance (1 of 4 stars; one submission).

Conditions:
Inborn genetic diseases. Identifiers: MedGen C0950123, MeSH D030342.

Submission:

Ambry Genetics
Classification: Uncertain significance for Inborn genetic diseases. Last evaluated: 2025-04-09. Review status: criteria provided, single submitter. Criteria: Ambry Variant Classification Scheme 2023. Collection method: clinical testing. Allele origin: germline.
Comment: The p.A1430V variant (also known as c.4289C>T), located in coding exon 1 of the SAMD9L gene, results from a C to T substitution at nucleotide position 4289. The alanine at codon 1430 is replaced by valine, an amino acid with similar properties. This amino acid position is conserved. In addition, this alteration is predicted to be tolerated by in silico analysis. Based on the available evidence, the clinical significance of this variant remains unclear.